The following is an entry in ClinVar:

ClinVar aggregate classification (germline): Uncertain significance. Review status: criteria provided, multiple submitters, no conflicts (2 of 4 stars). 3 submissions from 3 submitters: Uncertain significance (3). Last evaluated 2025-11-24.

Conditions:
Intellectual developmental disorder, autosomal dominant 44, with microcephaly. Also called: Micrognathia-recurrent infections-behavioral abnormalities-mild intellectual disability syndrome; TRIO-Related Intellectual Disability. Identifiers: Orphanet 476126, MedGen C4310740, MONDO:0014892, OMIM 617061.
Intellectual developmental disorder, autosomal dominant 63, with macrocephaly. Also called: MENTAL RETARDATION, AUTOSOMAL DOMINANT 63, WITH MACROCEPHALY. Identifiers: MedGen C5394205, MONDO:0032939, OMIM 618825.

Allele frequency attached by ClinVar (database versions not stated): gnomAD exomes below 0.00001.
gnomAD v4.1: 1 of 1,604,770 alleles (0.000062%); highest among the groups gnomAD compares: Middle Eastern, 0.017%; no homozygotes.

Submissions (3):

Clinical Genetics Laboratory, University Hospital Schleswig-Holstein
Classification: Uncertain significance for Intellectual developmental disorder, autosomal dominant 44, with microcephaly; Intellectual developmental disorder, autosomal dominant 63, with macrocephaly. Last evaluated: 2025-11-24. Review status: criteria provided, single submitter. Criteria: ACMG Guidelines, 2015. Collection method: clinical testing. Allele origin: paternal. Affected: yes. Observed: 1 heterozygote.
Comment: ACMG criteria applied: PM2, BS4_Supporting

Genomic Medicine Center of Excellence, King Faisal Specialist Hospital and Research Centre
Classification: Uncertain significance for Intellectual developmental disorder, autosomal dominant 44, with microcephaly. Last evaluated: 2025-09-10. Review status: criteria provided, single submitter. Criteria: ACMG Guidelines, 2015. Collection method: clinical testing. Allele origin: germline.

Baylor Genetics
Classification: Uncertain significance for Intellectual developmental disorder, autosomal dominant 44, with microcephaly. Last evaluated: 2019-09-26. Review status: criteria provided, single submitter. Criteria: ACMG Guidelines, 2015. Collection method: clinical testing. Allele origin: unknown. Affected: yes.
Comment: This variant was determined to be of uncertain significance according to ACMG Guidelines, 2015 [PMID:25741868].

NM_007118.4(TRIO):c.5636G>A (p.Ser1879Asn)

Gene: TRIO (trio Rho guanine nucleotide exchange factor; plus strand). Cytogenetic location: 5p15.2.
Variant type: single nucleotide variant.
Coding change: c.5636G>A on transcript NM_007118.4 (MANE Select); coding-DNA position 5636, G replaced by A.
Protein change: p.Ser1879Asn; replaces serine 1879 with asparagine.
Molecular consequence: missense variant. On other transcripts: non-coding transcript variant (1).
Genome position (GRCh38, 1-based): chr5:14,462,894, G>A. VCF-style: chr5-14462894-G-A. GRCh37 (hg19) VCF-style: chr5-14463003-G-A.
Other names: short protein forms S1879N.
Identifiers: ClinVar variation 1031141 (VCV001031141.3), dbSNP rs1753935398, ClinGen allele CA359231176.